The following is an entry in ClinVar:

NM_000350.3(ABCA4):c.4049T>C (p.Leu1350Pro)

Gene: ABCA4 (ATP binding cassette subfamily A member 4; minus strand). Cytogenetic location: 1p22.1.
Variant type: single nucleotide variant.
Coding change: c.4049T>C on transcript NM_000350.3 (MANE Select); coding-DNA position 4049, T replaced by C.
Protein change: p.Leu1350Pro; replaces leucine 1350 with proline.
Molecular consequence: missense variant.
Genome position (GRCh38, 1-based): chr1:94,031,857, A>G on the plus strand (T>C on the coding strand, the complement: ABCA4 is on the minus strand). VCF-style: chr1-94031857-A-G. GRCh37 (hg19) VCF-style: chr1-94497413-A-G.
Other names: c.3827T>C, p.Leu1276Pro (NM_001425324.1); short protein forms L1350P, L1276P.
Identifiers: ClinVar variation 417990 (VCV000417990.2), dbSNP rs1064793012, ClinGen allele CA16617204.

ClinVar aggregate classification (germline): Likely pathogenic (1 of 4 stars; one submission).

Allele frequency attached by ClinVar (database versions not stated): gnomAD exomes below 0.00001.
gnomAD v4.1: 6 of 1,614,190 alleles (0.00037%); highest among the groups gnomAD compares: Non-Finnish European, 0.00051%; no homozygotes.

Submission:

GeneDx
Classification: Likely pathogenic. Last evaluated: 2013-01-08. Review status: criteria provided, single submitter. Criteria: GeneDx Variant Classification (06012015). Collection method: clinical testing. Allele origin: germline. Affected: yes.
Comment: The L1350P missense change has not been reported as a pathogenic variant or as a benign polymorphism to our knowledge. The L1350P amino acid substitution is semi-conservative as both Leucine and Proline are neutral and non-polar residues. However, the addition of a Proline residue with its unique structure, may affect the structure of the protein. The residue at which this substitution occurs is conserved within the ABCR protein and in related proteins. An external variant database reports that L1350P was not observed in approximately 6,500 samples from individuals of European and African American backgrounds, indicating it is not a common benign variant in these populations. Therefore, L1350P is a strong candidate for a pathogenic variant, although the possibility that it is a benign polymorphism cannot be excluded.